The following is an entry in ClinVar:

NM_000535.7(PMS2):c.1498T>C (p.Ser500Pro)

Gene: PMS2 (PMS1 homolog 2, mismatch repair system component; minus strand). Cytogenetic location: 7p22.1.
Variant type: single nucleotide variant.
Coding change: c.1498T>C on transcript NM_000535.7 (MANE Select); coding-DNA position 1498, T replaced by C.
Protein change: p.Ser500Pro; replaces serine 500 with proline.
Molecular consequence: missense variant. On other transcripts: non-coding transcript variant (1).
Genome position (GRCh38, 1-based): chr7:5,987,267, A>G on the plus strand (T>C on the coding strand, the complement: PMS2 is on the minus strand). VCF-style: chr7-5987267-A-G. GRCh37 (hg19) VCF-style: chr7-6026898-A-G.
Other names: c.1093T>C, p.Ser365Pro (NM_001322003.2, NM_001322004.2, NM_001322005.2 and 1 more transcripts); c.1342T>C, p.Ser448Pro (NM_001322006.2); c.1180T>C, p.Ser394Pro (NM_001322007.2, NM_001322008.2); c.937T>C, p.Ser313Pro (NM_001322010.2); c.565T>C, p.Ser189Pro (NM_001322011.2, NM_001322012.2); c.925T>C, p.Ser309Pro (NM_001322013.2); c.1498T>C, p.Ser500Pro (NM_001322014.2); c.1189T>C, p.Ser397Pro (NM_001322015.2); short protein forms S189P, S397P, S309P, S313P, S394P, S448P, S365P, S500P.
Identifiers: ClinVar variation 849547 (VCV000849547.10), dbSNP rs1783071898, ClinGen allele CA366741771.

ClinVar aggregate classification (germline): Uncertain significance. Review status: criteria provided, multiple submitters, no conflicts (2 of 4 stars). 2 submissions from 2 submitters: Uncertain significance (2). Last evaluated 2024-08-13.

Conditions:
Hereditary nonpolyposis colorectal neoplasms. Identifiers: MedGen C0009405, MeSH D003123.
Lynch syndrome. Identifiers: Orphanet 144, MedGen C4552100, MONDO:0005835. Disease mechanism: loss of function.

Submissions (2):

All of Us Research Program, National Institutes of Health
Classification: Uncertain significance for Lynch syndrome. Last evaluated: 2024-08-13. Review status: criteria provided, single submitter. Criteria: ACMG Guidelines, 2015. Collection method: clinical testing. Allele origin: germline. Inheritance: Autosomal dominant inheritance. Observed: 1 variant allele, 1 heterozygote.
Comment: This missense variant replaces serine with proline at codon 500 of the PMS2 protein. Computational prediction suggests that this variant may not impact protein structure and function (internally defined REVEL score threshold <= 0.5, PMID: 27666373). To our knowledge, functional studies have not been reported for this variant. This variant has not been reported in individuals affected with PMS2-related disorders in the literature. This variant has not been identified in the general population by the Genome Aggregation Database (gnomAD). The available evidence is insufficient to determine the role of this variant in disease conclusively. Therefore, this variant is classified as a Variant of Uncertain Significance.

This study involves interpretation of variants in research participants for the purpose of population health screening. Participant phenotype was not available at the time of variant classification. Additional details can be found in publication PMID: 35346344, PMCID: PMC8962531

Labcorp Genetics (formerly Invitae), Labcorp
Classification: Uncertain significance for Hereditary nonpolyposis colorectal neoplasms. Last evaluated: 2024-02-22. Review status: criteria provided, single submitter. Criteria: Invitae Variant Classification Sherloc (09022015). Collection method: clinical testing. Allele origin: germline.
Comment: This sequence change replaces serine, which is neutral and polar, with proline, which is neutral and non-polar, at codon 500 of the PMS2 protein (p.Ser500Pro). This variant is not present in population databases (gnomAD no frequency). This variant has not been reported in the literature in individuals affected with PMS2-related conditions. ClinVar contains an entry for this variant (Variation ID: 849547). Advanced modeling of protein sequence and biophysical properties (such as structural, functional, and spatial information, amino acid conservation, physicochemical variation, residue mobility, and thermodynamic stability) performed at Invitae indicates that this missense variant is not expected to disrupt PMS2 protein function with a negative predictive value of 80%. In summary, the available evidence is currently insufficient to determine the role of this variant in disease. Therefore, it has been classified as a Variant of Uncertain Significance.